The following is an entry in ClinVar:

ClinVar aggregate classification (germline): Uncertain significance. Review status: criteria provided, multiple submitters, no conflicts (2 of 4 stars). 2 submissions from 2 submitters: Uncertain significance (2). Last evaluated 2024-08-04.

Conditions:
Neuronopathy, distal hereditary motor, autosomal recessive 4. Also called: Autosomal recessive lower motor neuron disease with childhood onset; NEUROPATHY, DISTAL HEREDITARY MOTOR, AUTOSOMAL RECESSIVE 4. Identifiers: Orphanet 206580, MedGen C1970211, MONDO:0012608, OMIM 611067.
Charcot-Marie-Tooth disease recessive intermediate C. Also called: CHARCOT-MARIE-TOOTH NEUROPATHY, RECESSIVE INTERMEDIATE C. Identifiers: Orphanet 369867, MedGen C3809309, MONDO:0014154, OMIM 615376.
Inborn genetic diseases. Identifiers: MedGen C0950123, MeSH D030342.

Allele frequency attached by ClinVar (database versions not stated): gnomAD exomes below 0.00001; TOPMed 0.00001; ExAC 0.00002; gnomAD 0.00002.
gnomAD v4.1: 9 of 1,610,988 alleles (0.00056%); highest among the groups gnomAD compares: East Asian, 0.0022%; no homozygotes.

Submissions (2):

Ambry Genetics
Classification: Uncertain significance for Inborn genetic diseases. Last evaluated: 2024-08-04. Review status: criteria provided, single submitter. Criteria: Ambry Variant Classification Scheme 2023. Collection method: clinical testing. Allele origin: germline.

Labcorp Genetics (formerly Invitae), Labcorp
Classification: Uncertain significance for Neuronopathy, distal hereditary motor, autosomal recessive 4; Charcot-Marie-Tooth disease recessive intermediate C. Last evaluated: 2021-08-24. Review status: criteria provided, single submitter. Criteria: Invitae Variant Classification Sherloc (09022015). Collection method: clinical testing. Allele origin: germline.
Comment: This sequence change replaces glutamic acid with lysine at codon 725 of the PLEKHG5 protein (p.Glu725Lys). The glutamic acid residue is weakly conserved and there is a small physicochemical difference between glutamic acid and lysine. This variant is present in population databases (rs776282542, ExAC 0.01%). This variant has not been reported in the literature in individuals affected with PLEKHG5-related conditions. Algorithms developed to predict the effect of missense changes on protein structure and function (SIFT, PolyPhen-2, Align-GVGD) all suggest that this variant is likely to be tolerated. In summary, the available evidence is currently insufficient to determine the role of this variant in disease. Therefore, it has been classified as a Variant of Uncertain Significance.

NM_020631.6(PLEKHG5):c.2173G>A (p.Glu725Lys)

Gene: PLEKHG5 (pleckstrin homology and RhoGEF domain containing G5; minus strand). Cytogenetic location: 1p36.31.
Variant type: single nucleotide variant.
Coding change: c.2173G>A on transcript NM_020631.6 (MANE Select); coding-DNA position 2173, G replaced by A.
Protein change: p.Glu725Lys; replaces glutamic acid 725 with lysine.
Molecular consequence: missense variant.
Genome position (GRCh38, 1-based): chr1:6,469,118, C>T on the plus strand (G>A on the coding strand, the complement: PLEKHG5 is on the minus strand). VCF-style: chr1-6469118-C-T. GRCh37 (hg19) VCF-style: chr1-6529178-C-T.
Other names: c.2284G>A, p.Glu762Lys (NM_001042663.3, NM_001265592.2); c.2173G>A, p.Glu725Lys (NM_001042664.2, NM_001042665.2, NM_001265594.3 and 1 more transcripts); c.2380G>A, p.Glu794Lys (NM_001265593.2); short protein forms E725K, E762K, E794K.
Identifiers: ClinVar variation 1015795 (VCV001015795.9), dbSNP rs776282542, ClinGen allele CA561224.